The following is an entry in ClinVar:

ClinVar aggregate classification (germline): Uncertain significance (1 of 4 stars; one submission).

Conditions:
Nephronophthisis. Also called: Juvenile Nephronophthisis. Identifiers: Orphanet 655, MedGen C0687120, MONDO:0019005, HP:0000090.

gnomAD v4.1: 3 of 1,612,758 alleles (0.00019%); highest among the groups gnomAD compares: Non-Finnish European, 0.00025%; no homozygotes.

Submission:

Labcorp Genetics (formerly Invitae), Labcorp
Classification: Uncertain significance for Nephronophthisis. Last evaluated: 2021-08-31. Review status: criteria provided, single submitter. Criteria: Invitae Variant Classification Sherloc (09022015). Collection method: clinical testing. Allele origin: germline.
Comment: This sequence change replaces valine with leucine at codon 646 of the NPHP3 protein (p.Val646Leu). The valine residue is highly conserved and there is a small physicochemical difference between valine and leucine. This variant is not present in population databases (ExAC no frequency). This variant has not been reported in the literature in individuals affected with NPHP3-related conditions. Algorithms developed to predict the effect of missense changes on protein structure and function are either unavailable or do not agree on the potential impact of this missense change (SIFT: "Deleterious"; PolyPhen-2: "Possibly Damaging"; Align-GVGD: "Class C0"). In summary, the available evidence is currently insufficient to determine the role of this variant in disease. Therefore, it has been classified as a Variant of Uncertain Significance.

NM_153240.5(NPHP3):c.1936G>T (p.Val646Leu)

Genes: NPHP3 (nephrocystin 3; minus strand), NPHP3-ACAD11 (NPHP3-ACAD11 readthrough (NMD candidate); minus strand). Cytogenetic location: 3q22.1.
Variant type: single nucleotide variant.
Coding change: c.1936G>T on transcript NM_153240.5 (MANE Select); coding-DNA position 1936, G replaced by T.
Protein change: p.Val646Leu; replaces valine 646 with leucine.
Molecular consequence: missense variant.
Genome position (GRCh38, 1-based): chr3:132,699,402, C>A on the plus strand (G>T on the coding strand, the complement: NPHP3 is on the minus strand). VCF-style: chr3-132699402-C-A. GRCh37 (hg19) VCF-style: chr3-132418246-C-A.
Other names: short protein forms V646L.
Identifiers: ClinVar variation 1487552 (VCV001487552.5), dbSNP rs1362469132, ClinGen allele CA354582467.
Genomic context (GRCh38, chr3:132,699,402, plus strand): 5'-TGGCATCGTACCTCCATGCTGGAGGGCATGTTTCTACATTCACAGAAACAATTACTCTTA[C>A]ATTCACTGGCAGTGGATCTATCAGCCATTTCATGTGTTTTTCAACTTGCTTAAAAATATA-3'
Protein context (NP_694972.3, residues 636-656): KWLIDPLPVN[Val646Leu]RVIVSVNVET